The following is an entry in ClinVar:

NM_000426.4(LAMA2):c.329G>A (p.Trp110Ter)

Gene: LAMA2 (laminin subunit alpha 2; plus strand). Cytogenetic location: 6q22.33.
Variant type: single nucleotide variant.
Coding change: c.329G>A on transcript NM_000426.4 (MANE Select); coding-DNA position 329, G replaced by A.
Protein change: p.Trp110Ter; replaces tryptophan 110 with a stop codon.
Molecular consequence: nonsense.
Genome position (GRCh38, 1-based): chr6:129,059,829, G>A. VCF-style: chr6-129059829-G-A. GRCh37 (hg19) VCF-style: chr6-129380974-G-A.
Other names: c.329G>A, p.Trp110Ter (NM_001079823.2); short protein forms W110*.
Identifiers: ClinVar variation 557331 (VCV000557331.15), dbSNP rs1441933780, ClinGen allele CA365828870.

ClinVar aggregate classification (germline): Pathogenic. Review status: criteria provided, multiple submitters, no conflicts (2 of 4 stars). 4 submissions from 4 submitters: Pathogenic (3). 1 of the submissions does not count toward it. Last evaluated 2024-03-08.

Conditions:
Merosin deficient congenital muscular dystrophy (MDC1A). Also called: Congenital merosin-deficient muscular dystrophy 1A; Congenital Muscular Dystrophy Type 1A (MDC1A). Identifiers: Orphanet 258, MedGen C1263858, MONDO:0011925, OMIM 607855.
Muscular dystrophy, limb-girdle, autosomal recessive 23. Identifiers: Orphanet 565837, MedGen C4748327, MONDO:0029136, OMIM 618138.
LAMA2-related muscular dystrophy (LAMA2-RD). Also called: Laminin alpha 2-related dystrophy. Identifiers: MedGen C5679788, MONDO:0100228.

Allele frequency attached by ClinVar (database versions not stated): gnomAD exomes below 0.00001 and 0.00001.
gnomAD v4.1: 4 of 1,611,056 alleles (0.00025%); highest among the groups gnomAD compares: Non-Finnish European, 0.00034%; no homozygotes.

Submissions (4):

Fulgent Genetics
Classification: Pathogenic for Merosin deficient congenital muscular dystrophy; Muscular dystrophy, limb-girdle, autosomal recessive 23. Last evaluated: 2024-03-08. Review status: criteria provided, single submitter. Criteria: ACMG Guidelines, 2015. Collection method: clinical testing. Allele origin: germline.

Labcorp Genetics (formerly Invitae), Labcorp
Classification: Pathogenic for LAMA2-related muscular dystrophy. Last evaluated: 2023-10-28. Review status: criteria provided, single submitter. Criteria: Invitae Variant Classification Sherloc (09022015). Collection method: clinical testing. Allele origin: germline.
Comment: This sequence change creates a premature translational stop signal (p.Trp110*) in the LAMA2 gene. It is expected to result in an absent or disrupted protein product. Loss-of-function variants in LAMA2 are known to be pathogenic (PMID: 18700894, 32904964). This variant is present in population databases (no rsID available, gnomAD 0.0009%). This premature translational stop signal has been observed in individual(s) with congenital muscular dystrophy (PMID: 24611677). In at least one individual the data is consistent with being in trans (on the opposite chromosome) from a pathogenic variant. ClinVar contains an entry for this variant (Variation ID: 557331). For these reasons, this variant has been classified as Pathogenic.

Revvity Omics, Revvity
Classification: Pathogenic. Last evaluated: 2020-10-24. Review status: criteria provided, single submitter. Criteria: ACMG Guidelines, 2015. Collection method: clinical testing. Allele origin: germline.

Counsyl
Classification: Likely pathogenic for Merosin deficient congenital muscular dystrophy. Last evaluated: 2018-03-16. Review status: no assertion criteria provided. Collection method: clinical testing. Allele origin: unknown. Not counted in ClinVar's aggregate classification.

Literature cited by the submitters: PubMed 18700894 (cited by Labcorp Genetics (formerly Invitae), Labcorp); PubMed 32904964 (cited by Labcorp Genetics (formerly Invitae), Labcorp); PubMed 24611677 (cited by Labcorp Genetics (formerly Invitae), Labcorp and Counsyl).